The following is an entry in ClinVar:

NM_022773.4(LMF1):c.1138G>A (p.Val380Met)

Gene: LMF1 (lipase maturation factor 1; minus strand). Cytogenetic location: 16p13.3.
Variant type: single nucleotide variant.
Coding change: c.1138G>A on transcript NM_022773.4 (MANE Select); coding-DNA position 1138, G replaced by A.
Protein change: p.Val380Met; replaces valine 380 with methionine.
Molecular consequence: missense variant. On other transcripts: non-coding transcript variant (1).
Genome position (GRCh38, 1-based): chr16:870,823, C>T on the plus strand (G>A on the coding strand, the complement: LMF1 is on the minus strand). VCF-style: chr16-870823-C-T. GRCh37 (hg19) VCF-style: chr16-920823-C-T.
Other names: c.487G>A, p.Val163Met (NM_001352017.2, NM_001352021.2); c.739G>A, p.Val247Met (NM_001352018.2); c.811G>A, p.Val271Met (NM_001352019.2); c.1138G>A, p.Val380Met (NM_001352020.1); short protein forms V247M, V271M, V163M, V380M.
Identifiers: ClinVar variation 1028778 (VCV001028778.8), dbSNP rs201734228, ClinGen allele CA7797163.

ClinVar aggregate classification (germline): Conflicting classifications of pathogenicity. Review status: criteria provided, conflicting classifications (1 of 4 stars). 4 submissions from 4 submitters: Uncertain significance (3); Likely benign (1). Last evaluated 2025-01-23.

Conditions:
Cardiovascular phenotype. Identifiers: MedGen CN230736.
Lipase deficiency, combined. Also called: LIPOPROTEIN LIPASE DEFICIENCY WITH HEPATIC TRIGLYCERIDE LIPASE DEFICIENCY; LPL AND HL DEFICIENCY; LPL AND HTGL DEFICIENCY. Identifiers: Orphanet 535453, MedGen C1855498, MONDO:0009527, OMIM 246650.

Allele frequency attached by ClinVar (database versions not stated): TOPMed 0.00021; gnomAD exomes 0.00023 and 0.00029; gnomAD 0.00025; ExAC 0.00026; 1000 Genomes Project 30x 0.00031; 1000 Genomes Project 0.00040; ESP Exome Variant Server 0.00055.
gnomAD v4.1: 469 of 1,612,516 alleles (0.029%); highest among the groups gnomAD compares: Middle Eastern, 0.033%; no homozygotes.

Submissions (4):

Labcorp Genetics (formerly Invitae), Labcorp
Classification: Uncertain significance. Last evaluated: 2025-01-23. Review status: criteria provided, single submitter. Criteria: Invitae Variant Classification Sherloc (09022015). Collection method: clinical testing. Allele origin: germline.
Comment: This sequence change replaces valine, which is neutral and non-polar, with methionine, which is neutral and non-polar, at codon 380 of the LMF1 protein (p.Val380Met). This variant is present in population databases (rs201734228, gnomAD 0.03%). This missense change has been observed in individual(s) with clinical features of LMF1-related conditions (PMID: 33303402). ClinVar contains an entry for this variant (Variation ID: 1028778). An algorithm developed to predict the effect of missense changes on protein structure and function (PolyPhen-2) suggests that this variant is likely to be disruptive. In summary, the available evidence is currently insufficient to determine the role of this variant in disease. Therefore, it has been classified as a Variant of Uncertain Significance.

Ambry Genetics
Classification: Likely benign for Cardiovascular phenotype. Last evaluated: 2024-11-15. Review status: criteria provided, single submitter. Criteria: Ambry Variant Classification Scheme 2023. Collection method: clinical testing. Allele origin: germline.

New York Genome Center
Classification: Uncertain significance for Lipase deficiency, combined. Last evaluated: 2021-12-29. Review status: criteria provided, single submitter. Criteria: NYGC Assertion Criteria 2020. Collection method: clinical testing. Allele origin: germline. Observed: 2 variant alleles.
Comment: The c.1138G>A (p. Val380Met) missense variant identified in the LMF1 gene has not been reported in affected individuals in the literature. The variant has 0.0002431 allele frequency in the gnomAD(v3) database (37 out of 152208 heterozygous alleles, no homozygotes) suggesting it is not acommon benign variant in the populations represented in that database. This variant has been reported in the ClinVar database as a variant of uncertain significance [Variation ID: 1028778]. The variant affects a moderately conserved residue and is predicted “neutral” by multiple in silico prediction tools (CADD score = 15.43,REVEL score = 0.165). Based on the available evidence, the c.1138G>A (p. Val380Met) variant identified in the LMF1 gene is reported as a Variant of Uncertain Significance.

Baylor Genetics
Classification: Uncertain significance for Lipase deficiency, combined. Last evaluated: 2020-05-05. Review status: criteria provided, single submitter. Criteria: ACMG Guidelines, 2015. Collection method: clinical testing. Allele origin: unknown. Affected: yes.
Comment: This variant was determined to be of uncertain significance according to ACMG Guidelines, 2015 [PMID:25741868].

Literature cited by the submitters: PubMed 33303402 (cited by Labcorp Genetics (formerly Invitae), Labcorp).